The following is an entry in ClinVar:

NM_000264.5(PTCH1):c.3487G>C (p.Gly1163Arg)

Gene: PTCH1 (patched 1; minus strand). Cytogenetic location: 9q22.32.
Variant type: single nucleotide variant.
Coding change: c.3487G>C on transcript NM_000264.5 (MANE Select); coding-DNA position 3487, G replaced by C.
Protein change: p.Gly1163Arg; replaces glycine 1163 with arginine.
Molecular consequence: missense variant. On other transcripts: non-coding transcript variant (1).
Genome position (GRCh38, 1-based): chr9:95,449,903, C>G on the plus strand (G>C on the coding strand, the complement: PTCH1 is on the minus strand). VCF-style: chr9-95449903-C-G. GRCh37 (hg19) VCF-style: chr9-98212185-C-G.
Other names: c.3289G>C, p.Gly1097Arg (NM_001083602.3); c.3484G>C, p.Gly1162Arg (NM_001083603.3); c.3034G>C, p.Gly1012Arg (NM_001083604.3, NM_001083605.3, NM_001083606.3 and 1 more transcripts); c.3331G>C, p.Gly1111Arg (NM_001354918.2); short protein forms G1012R, G1162R, G1111R, G1097R, G1163R.
Identifiers: ClinVar variation 1515864 (VCV001515864.6), dbSNP rs113663584, ClinGen allele CA374111560.

ClinVar aggregate classification (germline): Likely pathogenic (1 of 4 stars; one submission).

Conditions:
Gorlin syndrome. Also called: Basal cell nevus syndrome; Nevoid Basal Cell Carcinoma Syndrome. Identifiers: Orphanet 377, MedGen C0004779, MONDO:0007187.

Submission:

Labcorp Genetics (formerly Invitae), Labcorp
Classification: Likely pathogenic for Gorlin syndrome. Last evaluated: 2023-12-30. Review status: criteria provided, single submitter. Criteria: Invitae Variant Classification Sherloc (09022015). Collection method: clinical testing. Allele origin: germline.
Comment: This sequence change replaces glycine, which is neutral and non-polar, with arginine, which is basic and polar, at codon 1163 of the PTCH1 protein (p.Gly1163Arg). This variant is not present in population databases (gnomAD no frequency). This missense change has been observed in individual(s) with clinical features of basal cell nevus syndrome (Invitae). ClinVar contains an entry for this variant (Variation ID: 1515864). Advanced modeling of protein sequence and biophysical properties (such as structural, functional, and spatial information, amino acid conservation, physicochemical variation, residue mobility, and thermodynamic stability) has been performed at Invitae for this missense variant, however the output from this modeling did not meet the statistical confidence thresholds required to predict the impact of this variant on PTCH1 protein function. In summary, the currently available evidence indicates that the variant is pathogenic, but additional data are needed to prove that conclusively. Therefore, this variant has been classified as Likely Pathogenic.